The following is an entry in ClinVar:

NM_001206979.2(NR1H4):c.1333C>A (p.Arg445=)

Gene: NR1H4 (nuclear receptor subfamily 1 group H member 4; plus strand). Cytogenetic location: 12q23.1.
Variant type: single nucleotide variant.
Coding change: c.1333C>A on transcript NM_001206979.2 (MANE Select); coding-DNA position 1333, C replaced by A.
Protein change: p.Arg445=; no amino-acid change (arginine 445 retained).
Molecular consequence: synonymous variant. On other transcripts: non-coding transcript variant (1).
Genome position (GRCh38, 1-based): chr12:100,563,391, C>A. VCF-style: chr12-100563391-C-A. GRCh37 (hg19) VCF-style: chr12-100957169-C-A.
Other names: c.1333C>A, p.Arg445= (NM_001206977.2); c.1180C>A, p.Arg394= (NM_001206978.2); c.1351C>A, p.Arg451= (NM_001206992.2); c.1363C>A, p.Arg455= (NM_001206993.2); c.1321C>A, p.Arg441= (NM_005123.4).
Identifiers: ClinVar variation 3054347 (VCV003054347.2), dbSNP rs2500820807, ClinGen allele CA481588286.

ClinVar aggregate classification (germline): Likely benign (0 of 4 stars; one submission).

Conditions:
NR1H4-related disorder. Also called: NR1H4-related condition.

gnomAD v4.1: 1 of 1,614,070 alleles (0.000062%); highest among the groups gnomAD compares: South Asian, 0.0011%; no homozygotes.

Submission:

PreventionGenetics, part of Exact Sciences
Classification: Likely benign for NR1H4-related condition. Last evaluated: 2020-06-05. Review status: no assertion criteria provided. Collection method: clinical testing. Allele origin: germline.
Comment: This variant is classified as likely benign based on ACMG/AMP sequence variant interpretation guidelines (Richards et al. 2015 PMID: 25741868, with internal and published modifications).